The following is an entry in ClinVar:

NM_004618.5(TOP3A):c.1130C>T (p.Thr377Met)

Gene: TOP3A (DNA topoisomerase III alpha; minus strand). Cytogenetic location: 17p11.2.
Variant type: single nucleotide variant.
Coding change: c.1130C>T on transcript NM_004618.5 (MANE Select); coding-DNA position 1130, C replaced by T.
Protein change: p.Thr377Met; replaces threonine 377 with methionine.
Molecular consequence: missense variant.
Genome position (GRCh38, 1-based): chr17:18,292,796, G>A on the plus strand (C>T on the coding strand, the complement: TOP3A is on the minus strand). VCF-style: chr17-18292796-G-A. GRCh37 (hg19) VCF-style: chr17-18196110-G-A.
Other names: c.845C>T, p.Thr282Met (NM_001320759.2); short protein forms T282M, T377M.
Identifiers: ClinVar variation 1899060 (VCV001899060.5), dbSNP rs763108801, ClinGen allele CA8429999.

ClinVar aggregate classification (germline): Uncertain significance (1 of 4 stars; one submission).

Allele frequency attached by ClinVar (database versions not stated): gnomAD exomes 0.00001; TOPMed 0.00002; ExAC 0.00004; gnomAD 0.00006.

Submission:

Labcorp Genetics (formerly Invitae), Labcorp
Classification: Uncertain significance. Last evaluated: 2022-05-29. Review status: criteria provided, single submitter. Criteria: Invitae Variant Classification Sherloc (09022015). Collection method: clinical testing. Allele origin: germline.
Comment: In summary, the available evidence is currently insufficient to determine the role of this variant in disease. Therefore, it has been classified as a Variant of Uncertain Significance. Algorithms developed to predict the effect of missense changes on protein structure and function output the following: SIFT: "Not Available"; PolyPhen-2: "Benign"; Align-GVGD: "Not Available". The methionine amino acid residue is found in multiple mammalian species, which suggests that this missense change does not adversely affect protein function. This variant has not been reported in the literature in individuals affected with TOP3A-related conditions. This variant is present in population databases (rs763108801, gnomAD 0.008%). This sequence change replaces threonine, which is neutral and polar, with methionine, which is neutral and non-polar, at codon 377 of the TOP3A protein (p.Thr377Met).